The following is an entry in ClinVar:

ClinVar aggregate classification (germline): Conflicting classifications of pathogenicity. Review status: criteria provided, conflicting classifications (1 of 4 stars). 3 submissions from 3 submitters: Uncertain significance (1); Likely benign (2). Last evaluated 2026-05-28.

Allele frequency attached by ClinVar (database versions not stated): gnomAD 0.00007; TOPMed 0.00005; ExAC 0.00006.
gnomAD v4.1: 47 of 1,612,488 alleles (0.0029%); highest among the groups gnomAD compares: East Asian, 0.011%; no homozygotes.

Submissions (3):

Women's Health and Genetics/Laboratory Corporation of America, LabCorp
Classification: Uncertain significance. Last evaluated: 2026-05-28. Review status: criteria provided, single submitter. Criteria: LabCorp Variant Classification Summary - May 2015. Collection method: clinical testing. Allele origin: germline.
Comment: Variant summary: NOTCH3 c.269G>A (p.Arg90His) results in a non-conservative amino acid change in the encoded protein sequence. Algorithms developed to predict the effect of missense changes on protein structure and function all suggest that this variant is likely to be disruptive. The variant allele was found at a frequency of 4.5e-05 in 246674 control chromosomes. This frequency is not significantly higher than estimated for disease-causing variants in NOTCH3, allowing no conclusion about variant significance. c.269G>A has been observed in an individual affected with NOTCH3-related conditions (Liu_2023). These data do not allow any conclusion about variant significance. To our knowledge, no experimental evidence demonstrating an impact on protein function has been reported. The following publication have been ascertained in the context of this evaluation (PMID: 37237429). ClinVar contains an entry for this variant (Variation ID: 1256503). Based on the evidence outlined above, the variant was classified as uncertain significance.

Athena Diagnostics
Classification: Likely benign. Last evaluated: 2025-03-27. Review status: criteria provided, single submitter. Criteria: Athena Diagnostics Criteria. Collection method: clinical testing. Allele origin: unknown.
Comment: The frequency of this variant in the general population is higher than would generally be expected for pathogenic variants in this gene.

Labcorp Genetics (formerly Invitae), Labcorp
Classification: Likely benign. Last evaluated: 2024-11-13. Review status: criteria provided, single submitter. Criteria: Invitae Variant Classification Sherloc (09022015). Collection method: clinical testing. Allele origin: germline.

Literature cited by the submitters: PubMed 37237429 (cited by Women's Health and Genetics/Laboratory Corporation of America, LabCorp and Athena Diagnostics); PubMed 33942994 (cited by Athena Diagnostics).

NM_000435.3(NOTCH3):c.269G>A (p.Arg90His)

Gene: NOTCH3 (notch receptor 3; minus strand). Cytogenetic location: 19p13.12.
Variant type: single nucleotide variant.
Coding change: c.269G>A on transcript NM_000435.3 (MANE Select); coding-DNA position 269, G replaced by A.
Protein change: p.Arg90His; replaces arginine 90 with histidine.
Molecular consequence: missense variant.
Genome position (GRCh38, 1-based): chr19:15,192,448, C>T on the plus strand (G>A on the coding strand, the complement: NOTCH3 is on the minus strand). VCF-style: chr19-15192448-C-T. GRCh37 (hg19) VCF-style: chr19-15303259-C-T.
Other names: short protein forms R90H.
Identifiers: ClinVar variation 1256503 (VCV001256503.6), dbSNP rs754726425, ClinGen allele CA9263945.